The following is an entry in ClinVar:

ClinVar aggregate classification (germline): Likely pathogenic (1 of 4 stars; one submission).

Conditions:
Carnitine palmitoyltransferase II deficiency. Also called: Carnitine Palmitoyltransferase 2 Deficiency. Identifiers: Orphanet 157, MedGen C0342790, MONDO:0015515.

Submission:

Labcorp Genetics (formerly Invitae), Labcorp
Classification: Likely pathogenic for Carnitine palmitoyltransferase II deficiency. Last evaluated: 2021-11-13. Review status: criteria provided, single submitter. Criteria: Invitae Variant Classification Sherloc (09022015). Collection method: clinical testing. Allele origin: germline.
Comment: In summary, the currently available evidence indicates that the variant is pathogenic, but additional data are needed to prove that conclusively. Therefore, this variant has been classified as Likely Pathogenic. This sequence change affects a donor splice site in intron 3 of the CPT2 gene. RNA analysis indicates that disruption of this splice site induces altered splicing and may result in an absent or disrupted protein product. This variant is not present in population databases (gnomAD no frequency). Disruption of this splice site has been observed in individual(s) with carnitine palmitoyltransferase II deficiency (PMID: 23475205). Studies have shown that disruption of this splice site results in skipping of exon 3 and introduces a premature termination codon (PMID: 23475205). The resulting mRNA is expected to undergo nonsense-mediated decay.

Literature cited by the submitters: PubMed 23475205.

NM_000098.3(CPT2):c.340+1G>A

Gene: CPT2 (carnitine palmitoyltransferase 2; plus strand). Cytogenetic location: 1p32.3.
Variant type: single nucleotide variant.
Coding change: c.340+1G>A on transcript NM_000098.3 (MANE Select); the canonical splice donor site of the intron after coding-DNA position 340, G replaced by A.
Molecular consequence: splice donor variant.
Genome position (GRCh38, 1-based): chr1:53,202,430, G>A. VCF-style: chr1-53202430-G-A. GRCh37 (hg19) VCF-style: chr1-53668102-G-A.
Other names: c.340+1G>A (NM_001330589.2).
Identifiers: ClinVar variation 1477936 (VCV001477936.6), dbSNP rs2100261957, ClinGen allele CA340389855.